The following is an entry in ClinVar:

NM_016194.4(GNB5):c.920T>G (p.Leu307Arg)

Gene: GNB5 (G protein subunit beta 5; minus strand). Cytogenetic location: 15q21.2.
Variant type: single nucleotide variant.
Coding change: c.920T>G on transcript NM_016194.4 (MANE Select); coding-DNA position 920, T replaced by G.
Protein change: p.Leu307Arg; replaces leucine 307 with arginine.
Molecular consequence: missense variant.
Genome position (GRCh38, 1-based): chr15:52,126,037, A>C on the plus strand (T>G on the coding strand, the complement: GNB5 is on the minus strand). VCF-style: chr15-52126037-A-C. GRCh37 (hg19) VCF-style: chr15-52418234-A-C.
Other names: c.794T>G, p.Leu265Arg (NM_006578.4); short protein forms L307R, L265R.
Identifiers: ClinVar variation 451576 (VCV000451576.3), dbSNP rs1452240112, ClinGen allele CA392488429.

ClinVar aggregate classification (germline): Uncertain significance (1 of 4 stars; one submission).

Submission:

GeneDx
Classification: Uncertain significance. Last evaluated: 2019-06-28. Review status: criteria provided, single submitter. Criteria: GeneDx Variant Classification Process June 2021. Collection method: clinical testing. Allele origin: germline. Affected: yes.
Comment: Not observed in large population cohorts (Lek et al., 2016); Has not been previously published as pathogenic or benign to our knowledge